The following is an entry in ClinVar:

NM_001145358.2(SIN3A):c.2575G>A (p.Gly859Ser)

Gene: SIN3A (SIN3 transcription regulator family member A; minus strand). Cytogenetic location: 15q24.2.
Variant type: single nucleotide variant.
Coding change: c.2575G>A on transcript NM_001145358.2 (MANE Select); coding-DNA position 2575, G replaced by A.
Protein change: p.Gly859Ser; replaces glycine 859 with serine.
Molecular consequence: missense variant.
Genome position (GRCh38, 1-based): chr15:75,392,518, C>T on the plus strand (G>A on the coding strand, the complement: SIN3A is on the minus strand). VCF-style: chr15-75392518-C-T. GRCh37 (hg19) VCF-style: chr15-75684859-C-T.
Other names: c.2575G>A (NM_001145358.1); c.2575G>A, p.Gly859Ser (NM_001145357.2, NM_015477.3); short protein forms G859S.
Identifiers: ClinVar variation 2904966 (VCV002904966.4), dbSNP rs377177543, ClinGen allele CA7667439.

ClinVar aggregate classification (germline): Conflicting classifications of pathogenicity. Review status: criteria provided, conflicting classifications (1 of 4 stars). 2 submissions from 2 submitters: Uncertain significance (1); Likely benign (1). Last evaluated 2025-04-19.

Conditions:
Inborn genetic diseases. Identifiers: MedGen C0950123, MeSH D030342.

Allele frequency attached by ClinVar (database versions not stated): gnomAD exomes 0.00001; TOPMed 0.00002; ExAC 0.00003; ESP Exome Variant Server 0.00023.
gnomAD v4.1: 6 of 1,614,162 alleles (0.00037%); highest among the groups gnomAD compares: East Asian, 0.0022%; no homozygotes.

Submissions (2):

Ambry Genetics
Classification: Likely benign for Inborn genetic diseases. Last evaluated: 2025-04-19. Review status: criteria provided, single submitter. Criteria: Ambry Variant Classification Scheme 2023. Collection method: clinical testing. Allele origin: germline.

Labcorp Genetics (formerly Invitae), Labcorp
Classification: Uncertain significance. Last evaluated: 2023-09-05. Review status: criteria provided, single submitter. Criteria: Invitae Variant Classification Sherloc (09022015). Collection method: clinical testing. Allele origin: germline.
Comment: In summary, the available evidence is currently insufficient to determine the role of this variant in disease. Therefore, it has been classified as a Variant of Uncertain Significance. Advanced modeling of protein sequence and biophysical properties (such as structural, functional, and spatial information, amino acid conservation, physicochemical variation, residue mobility, and thermodynamic stability) performed at Invitae indicates that this missense variant is not expected to disrupt SIN3A protein function. This variant has not been reported in the literature in individuals affected with SIN3A-related conditions. This variant is present in population databases (rs377177543, gnomAD 0.007%). This sequence change replaces glycine, which is neutral and non-polar, with serine, which is neutral and polar, at codon 859 of the SIN3A protein (p.Gly859Ser).